The following is an entry in ClinVar:

ClinVar aggregate classification (germline): Likely benign. Review status: criteria provided, multiple submitters, no conflicts (2 of 4 stars). 4 submissions from 4 submitters: Likely benign (3). 1 of the submissions does not count toward it. Last evaluated 2025-03-17.

Conditions:
PAX6-related disorder. Also called: PAX6-related disorders; PAX6-related condition.
Aniridia 1 (AN1). Identifiers: Orphanet 250923, MedGen C0344542, MONDO:0024507, OMIM 106210.
Irido-corneo-trabecular dysgenesis (ASGD5). Also called: ANTERIOR SEGMENT DYSGENESIS 5. Identifiers: Orphanet 708, MedGen C0344559, MONDO:0011414, OMIM 604229, HP:0000659.

Allele frequency attached by ClinVar (database versions not stated): gnomAD 0.00003; TOPMed 0.00003; gnomAD exomes 0.00005; ExAC 0.00006; ESP Exome Variant Server 0.00008.
gnomAD v4.1: 166 of 1,614,074 alleles (0.01%); highest among the groups gnomAD compares: Non-Finnish European, 0.012%; no homozygotes.

Submissions (4):

Labcorp Genetics (formerly Invitae), Labcorp
Classification: Likely benign for Aniridia 1; Irido-corneo-trabecular dysgenesis. Last evaluated: 2025-03-17. Review status: criteria provided, single submitter. Criteria: Invitae Variant Classification Sherloc (09022015). Collection method: clinical testing. Allele origin: germline.

CeGaT Center for Human Genetics Tuebingen
Classification: Likely benign. Last evaluated: 2022-07-01. Review status: criteria provided, single submitter. Criteria: CeGaT Center For Human Genetics Tuebingen Variant Classification Criteria Version 2. Collection method: clinical testing. Allele origin: germline. Affected: yes. Observed: 1 variant allele.
Comment: PAX6: BP4, BP7

GeneDx
Classification: Likely benign. Last evaluated: 2018-11-09. Review status: criteria provided, single submitter. Criteria: GeneDx Variant Classification Process June 2021. Collection method: clinical testing. Allele origin: germline. Affected: yes.

PreventionGenetics, part of Exact Sciences
Classification: Likely benign for PAX6-related condition. Last evaluated: 2019-06-20. Review status: no assertion criteria provided. Collection method: clinical testing. Allele origin: germline. Not counted in ClinVar's aggregate classification.
Comment: This variant is classified as likely benign based on ACMG/AMP sequence variant interpretation guidelines (Richards et al. 2015 PMID: 25741868, with internal and published modifications).

NM_001368894.2(PAX6):c.537G>C (p.Gly179=)

Gene: PAX6 (paired box 6; minus strand). Cytogenetic location: 11p13.
Variant type: single nucleotide variant.
Coding change: c.537G>C on transcript NM_001368894.2 (MANE Select); coding-DNA position 537, G replaced by C.
Protein change: p.Gly179=; no amino-acid change (glycine 179 retained).
Molecular consequence: synonymous variant. On other transcripts: non-coding transcript variant (2).
Genome position (GRCh38, 1-based): chr11:31,800,719, C>G on the plus strand (G>C on the coding strand, the complement: PAX6 is on the minus strand). VCF-style: chr11-31800719-C-G. GRCh37 (hg19) VCF-style: chr11-31822267-C-G.
Other names: c.495G>C (NM_000280.3); c.537G>C, p.Gly179= (NM_001604.6, NM_001258462.3, NM_001258463.2 and 6 more transcripts); c.495G>C, p.Gly165= (NM_000280.6, NM_001127612.3, NM_001258464.2 and 10 more transcripts); c.87G>C, p.Gly29= (NM_001310160.2, NM_001310161.3, NM_001368899.2 and 11 more transcripts); c.738G>C, p.Gly246= (NM_001368910.2); c.540G>C, p.Gly180= (NM_001368911.2); c.612G>C, p.Gly204= (NM_001368918.2, NM_001368919.2); c.570G>C, p.Gly190= (NM_001368920.2); and 3 more.
Identifiers: ClinVar variation 771097 (VCV000771097.34), dbSNP rs374226064, ClinGen allele CA5933868.